The following is an entry in ClinVar:

ClinVar aggregate classification (germline): Pathogenic. Review status: reviewed by expert panel (3 of 4 stars). 14 submissions from 14 submitters: Pathogenic (1). 13 of the submissions do not count toward it. Last evaluated 2024-12-06.

Conditions:
IDUA-related disorder. Also called: IDUA-related condition.
Mucopolysaccharidosis, MPS-I-S. Also called: MUCOPOLYSACCHARIDOSIS TYPE IS; MPS V; MUCOPOLYSACCHARIDOSIS TYPE V; Scheie Syndrome. Identifiers: Orphanet 93474, MedGen C0026708, MONDO:0011760, OMIM 607016.
Hurler syndrome. Also called: MUCOPOLYSACCHARIDOSIS TYPE IH; Severe MPS I (Hurler Syndrome); Gargoylism, Hurler Syndrome. Identifiers: Orphanet 93473, MedGen C0086795, MONDO:0011758, OMIM 607014.
Mucopolysaccharidosis, MPS-I-H/S. Also called: Mucopolysaccharidosis type IH/S. Identifiers: Orphanet 93476, MedGen C0086431, MONDO:0011759, OMIM 607015.
Mucopolysaccharidosis type 1. Also called: Mucopolysaccharidosis Type I; IDUA deficiency; MPS I. Identifiers: Orphanet 579, MedGen C0023786, MONDO:0001586.

Submissions 1 to 8 of 14:

ClinGen Lysosomal Storage Disorder Variant Curation Expert Panel
Classification: Pathogenic for Mucopolysaccharidosis type 1. Last evaluated: 2024-12-06. Review status: reviewed by expert panel. Criteria: ClinGen LSD ACMG Specifications IDUA V1.0.0. Collection method: curation. Allele origin: germline. Inheritance: Autosomal recessive inheritance.
Comment: The NM_000203.5:c.46_57del variant results in an inframe deletion of 4 amino acids (p.Ser16_Ala19del) within the lysosomal signal sequence of IDUA (PM4). This variant is named "134del12" in older literature. At least twelve patients with with variant and a diagnosis of mucopolysaccharidosis type 1 have been reported in the literature. This includes four patients with documented laboratory values showing deficiency of IDUA activity in fibroblasts or leukocytes (PMID: 15300847, 21394825, 23786846) one of whom also had documented clinical features consistent with the diagnosis including corneal clouding, joint stiffness, digital contractures, cardiac valve disease, airway obstruction, and developmental delay (PMID: 15300847) (PP4). Four individuals have been reported who are compound heterozygous for the variant and another variant in IDUA that has been classified as pathogenic by the ClinGen Lysosomal Diseases VCEP including two confirmed in trans - c.1750C>T (p.Gln584Ter) (PMID: 12189649) and p.Trp402Ter (PMID: 11735025); and two phase unknown - c.208C>T (p.Gln70Ter) (PMID: 21394825) and c.386-2A>G (PMID: 11735025). In addition, at least two homozygotes have been reported PMID: 7951228, 21394825) (PM3_VeryStrong). Additional patients are compound heterozygous for the variant and c.603C>G (p.Tyr201Ter) (PMID: 21394825), c.1189+5G>A (PMID: 21394825); c.1960T>C (p.Ter654ArgextTer*62) (PMID: 21394825), c.1049A>T (p.Asn350Ile) (PMID: 12559846) and c.1598C>G (p.Pro533Arg) (PMID: 15300847). The allelic data from these patients will be used in the classification of the second variant and is not included here to avoid circular logic. When expressed in COS-7 cells, the variant (labeled as "134del12") resulted in 124.6% of normal activity. A 77-kDa precursor protein was observed on Western blot, compared with a major mature 63-kDa form and a minor 77-kDa precursor in cells transfected with wild-type cDNA. These results suggested that the variant prevents correct posttranslational processing and transport to the lysosome (PMID: 12189649) (PS3_Supporting). The highest population minor allele frequency in gnomAD v4.1.0 is 0.00006251 (69/1103836 alleles) in the European non-Finnish population, which is lower than the ClinGen Lysosomal Diseases VCEP’s threshold for PM2_Supporting (<0.00025), meeting this criterion (PM2_Supporting). There is a ClinVar entry for this variant (Variation ID: 92643). In summary, this variant meets the criteria to be classified as pathogenic for mucopolysaccharidosis type 1. IDUA-specific ACMG/AMP criteria applied, as specified by the ClinGen Lysosomal Diseases VCEP (Specifications Version 1.0.0): PM3_Very Strong, PM4, PP4, PS3_Supporting, PM2_Supporting. (Classification approved by the ClinGen Lysosomal Diseases Variant Curation Expert Panel on December 6, 2024)

PreventionGenetics, part of Exact Sciences
Classification: Pathogenic for IDUA-related condition. Last evaluated: 2026-06-30. Review status: criteria provided, single submitter. Criteria: ACMG Guidelines, 2015. Collection method: clinical testing. Allele origin: germline. Not counted in ClinVar's aggregate classification.
Comment: The IDUA c.46_57del12 variant is predicted to result in an in-frame deletion (p.Ser16_Ala19del). This variant is also referred to as 134del12 in the literature. This variant has been reported in the homozygous and compound heterozygous states in individuals with biochemically confirmed mucopolysaccharidosis IH, also referred to as Hurler syndrome (Table 1, Bunge et al. 1994. PubMed ID: 7951228; Lee-Chen et al. 2002. PubMed ID: 12189649; Table 4, Gheldof et al. 2018. PubMed ID: 30548430; Table 2, Fang et al. 2021. PubMed ID: 34813777). Experimental studies using patient derived fibroblasts indicate this variant abolishes IDUA activity (Table 1, Oussoren et al. 2013. PubMed ID: 23786846). This variant is reported in 0.013% of alleles in individuals of European (Non-Finnish) descent in gnomAD. This variant is interpreted as pathogenic.

Labcorp Genetics (formerly Invitae), Labcorp
Classification: Pathogenic for Mucopolysaccharidosis type 1. Last evaluated: 2026-02-02. Review status: criteria provided, single submitter. Criteria: Invitae Variant Classification Sherloc (09022015). Collection method: clinical testing. Allele origin: germline. Not counted in ClinVar's aggregate classification.
Comment: This variant, c.46_57del, results in the deletion of 4 amino acid(s) of the IDUA protein (p.Ser16_Ala19del), but otherwise preserves the integrity of the reading frame. This variant is present in population databases (rs398123260, gnomAD 0.01%). This variant has been observed in individual(s) with mucopolysacccharidosis (MPS) type I (PMID: 7951228, 12189649, 15300847, 21394825). In at least one individual the data is consistent with being in trans (on the opposite chromosome) from a pathogenic variant. ClinVar contains an entry for this variant (Variation ID: 92643). Algorithms developed to predict the effect of variants on gene product structure and function are not available or were not evaluated for this variant. Experimental studies have shown that this variant affects IDUA function (PMID: 12189649). For these reasons, this variant has been classified as Pathogenic.

Natera, Inc.
Classification: Pathogenic for Mucopolysaccharidosis type I. Last evaluated: 2026-01-16. Review status: criteria provided, single submitter. Criteria: Natera Variant Classification Schema (03/2026). Collection method: clinical testing. Allele origin: germline. Not counted in ClinVar's aggregate classification.
Comment: The c.46_57delTCGCTCCTGGCC variant in IDUA is an in-frame deletion. This variant is rare in the general population with a frequency below the threshold expected for the associated phenotype(s). This variant has been observed in one or more individuals affected with the associated recessive disease, as either homozygous or compound heterozygous with a second variant (PMID: 21394825). This variant results in a change to the protein length while preserving reading frame, which may disrupt normal protein structure or function. Given the available evidence, this variant is classified as Pathogenic.

Victorian Clinical Genetics Services, Murdoch Childrens Research Institute
Classification: Pathogenic for Mucopolysaccharidosis type 1. Last evaluated: 2025-10-17. Review status: criteria provided, single submitter. Criteria: ACMG Guidelines, 2015. Collection method: clinical testing. Allele origin: germline. Not counted in ClinVar's aggregate classification.
Comment: This variant is classified as Pathogenic. Evidence in support of pathogenic classification: In-frame insertion/deletion in a non-repetitive region that has low conservation; Variant is present in gnomAD <0.01 for a recessive condition (v4: 73 heterozygote(s), 0 homozygote(s)); This variant has strong previous evidence of pathogenicity in unrelated individuals. This variant has been classified as pathogenic by the ClinGen Lysosomal Storage Disorder Variant Curation Expert Panel for Mucopolysaccharidosis type 1 (ClinVar). Additional information: This variant is heterozygous; This gene is associated with autosomal recessive disease; Loss of function is a known mechanism of disease in this gene and is associated with mucopolysaccharidosis type 1 (MONDO:0001586).

3billion
Classification: Pathogenic for Mucopolysaccharidosis, MPS-I-H/S. Last evaluated: 2025-06-23. Review status: criteria provided, single submitter. Criteria: ACMG Guidelines, 2015. Collection method: clinical testing. Allele origin: germline. Affected: yes. Not counted in ClinVar's aggregate classification.
Comment: The variant is observed at an extremely low frequency in the gnomAD v4.1.0 dataset (total allele frequency: 0.005%). Predicted Consequence/Location: Inframe deletion located in a nonrepeat region: predicted to change the length of the protein and disrupt normal protein function. The variant has been reported multiple times as an established pathogenic variant (ClinVar ID: VCV000092643 /PMID: 7951228). Therefore, this variant is classified as Pathogenic according to the recommendation of ACMG/AMP guideline.

Revvity Omics, Revvity
Classification: Pathogenic. Last evaluated: 2025-05-22. Review status: criteria provided, single submitter. Criteria: ACMG Guidelines, 2015. Collection method: clinical testing. Allele origin: germline. Not counted in ClinVar's aggregate classification.

GeneDx
Classification: Pathogenic. Last evaluated: 2025-03-18. Review status: criteria provided, single submitter. Criteria: GeneDx Variant Classification Process June 2021. Collection method: clinical testing. Allele origin: germline. Affected: yes. Not counted in ClinVar's aggregate classification.
Comment: In-frame deletion of 4 of amino acid(s)in a non-repeat region predicted to critically alter the protein; In silico analysis supports a deleterious effect on protein structure/function; Not observed at significant frequency in large population cohorts (gnomAD); This variant is associated with the following publications: (PMID: 23786846, 15300847, 28604952, 21734815, 25098213, 7951228, 11735025, 21394825, Fenton-Navarro2017[CaseReport], 12189649, 37218880, 34813777, 30548430, 21480867)

NM_000203.5(IDUA):c.46_57del (p.Ser16_Ala19del)

Genes: IDUA (alpha-L-iduronidase; plus strand), SLC26A1 (solute carrier family 26 member 1; minus strand). Cytogenetic location: 4p16.3.
Variant type: Deletion.
Coding change: c.46_57del on transcript NM_000203.5 (MANE Select); coding-DNA positions 46 to 57, 12 bases deleted (TCGCTCCTGGCC).
Protein change: p.Ser16_Ala19del.
Molecular consequence: inframe deletion. On other transcripts: non-coding transcript variant (1), intron variant (1).
Genome position (GRCh38, 1-based): chr4:987,130-987,141, TCGCTCCTGGCC deleted; deleting any 12 consecutive bases within chr4:987,119-987,141 gives the same sequence; the c. name uses the placement nearest the transcript's 3' end. VCF-style (leftmost placement, unchanged base first): chr4-987118-GCGCTCCTGGCCT-G. GRCh37 (hg19) VCF-style: chr4-980906-GCGCTCCTGGCCT-G.
Other names: NM_000203.5(IDUA):c.46_57del; p.Ser16_Ala19del; c.46_57del (NM_000203.4, NM_000203.3); c.46_57del12 (NM_000203.4, NM_000203.5); c.576+3998_576+4009del (NM_134425.4).
Identifiers: ClinVar variation 92643 (VCV000092643.43), dbSNP rs398123260, ClinGen allele CA220509.